The following is an entry in ClinVar:

NM_000081.4(LYST):c.3683A>G (p.Asn1228Ser)

Gene: LYST (lysosomal trafficking regulator; minus strand). Cytogenetic location: 1q42.3.
Variant type: single nucleotide variant.
Coding change: c.3683A>G on transcript NM_000081.4 (MANE Select); coding-DNA position 3683, A replaced by G.
Protein change: p.Asn1228Ser; replaces asparagine 1228 with serine.
Molecular consequence: missense variant.
Genome position (GRCh38, 1-based): chr1:235,802,937, T>C on the plus strand (A>G on the coding strand, the complement: LYST is on the minus strand). VCF-style: chr1-235802937-T-C. GRCh37 (hg19) VCF-style: chr1-235966237-T-C.
Other names: p.Asn1228Ser; c.3683A>G, p.Asn1228Ser (NM_001301365.1); short protein forms N1228S.
Identifiers: ClinVar variation 636426 (VCV000636426.26), dbSNP rs145553827, ClinGen allele CA1467019.

ClinVar aggregate classification (germline): Conflicting classifications of pathogenicity. Review status: criteria provided, conflicting classifications (1 of 4 stars). 9 submissions from 9 submitters: Uncertain significance (2); Likely benign (6). 1 of the submissions does not count toward it. Last evaluated 2026-01-31.

Conditions:
Autoinflammatory syndrome. Identifiers: Orphanet 93665, MedGen C3890737, MONDO:0019751.
Chédiak-Higashi syndrome (CHS). Also called: Chediak-Higashi Syndrome. Identifiers: Orphanet 167, MedGen C0007965, MONDO:0008963, OMIM 214500.
LYST-related disorder. Also called: LYST-related condition.
Inborn genetic diseases. Identifiers: MedGen C0950123, MeSH D030342.

Allele frequency attached by ClinVar (database versions not stated): gnomAD exomes 0.00015 and 0.00039; ExAC 0.00048; 1000 Genomes Project 30x 0.00062; 1000 Genomes Project 0.00080; gnomAD 0.00157 and 0.00171; TOPMed 0.00172; ESP Exome Variant Server 0.00177.
gnomAD v4.1: 473 of 1,613,652 alleles (0.029%); highest among the groups gnomAD compares: African/African-American, 0.53%; 3 homozygotes.

Submissions (9):

Labcorp Genetics (formerly Invitae), Labcorp
Classification: Likely benign for Chédiak-Higashi syndrome. Last evaluated: 2026-01-31. Review status: criteria provided, single submitter. Criteria: Invitae Variant Classification Sherloc (09022015). Collection method: clinical testing. Allele origin: germline.

Mayo Clinic Laboratories, Mayo Clinic
Classification: Likely benign. Last evaluated: 2025-10-03. Review status: criteria provided, single submitter. Criteria: ACMG Guidelines, 2015. Collection method: clinical testing. Allele origin: germline. Observed: 5 variant alleles.
Comment: BS1_supporting, BP4, PM1_supporting

Blueprint Genetics
Classification: Likely benign. Last evaluated: 2024-05-28. Review status: criteria provided, single submitter. Criteria: ACMG Guidelines, 2015. Collection method: clinical testing. Allele origin: germline.

Women's Health and Genetics/Laboratory Corporation of America, LabCorp
Classification: Likely benign. Last evaluated: 2024-03-20. Review status: criteria provided, single submitter. Criteria: LabCorp Variant Classification Summary - May 2015. Collection method: clinical testing. Allele origin: germline.
Comment: Variant summary: LYST c.3683A>G (p.Asn1228Ser) results in a conservative amino acid change in the encoded protein sequence. Three of five in-silico tools predict a damaging effect of the variant on protein function. The variant allele was found at a frequency of 0.00039 in 250934 control chromosomes, predominantly at a frequency of 0.0052 within the African or African-American subpopulation in the gnomAD database, including 1 homozygote. The observed variant frequency within African or African-American control individuals in the gnomAD database is approximately 4.65 fold of the estimated maximal expected allele frequency for a pathogenic variant in LYST causing Chediak-Higashi Syndrome phenotype (0.0011), strongly suggesting that the variant is a benign polymorphism found primarily in populations of African or African-American origin. To our knowledge, c.3683A>G has not been reported in the literature in individuals affected with Chediak-Higashi Syndrome and no experimental evidence demonstrating an impact on protein function has been reported. The following publication has been ascertained in the context of this evaluation (PMID: 26684649). ClinVar contains an entry for this variant (Variation ID: 636426). Based on the evidence outlined above, the variant was classified as likely benign.

Ambry Genetics
Classification: Likely benign for Inborn genetic diseases. Last evaluated: 2022-08-17. Review status: criteria provided, single submitter. Criteria: Ambry Variant Classification Scheme 2023. Collection method: clinical testing. Allele origin: germline.

Center for Genomics, Ann and Robert H. Lurie Children's Hospital of Chicago
Classification: Uncertain significance for Chédiak-Higashi syndrome. Last evaluated: 2021-03-30. Review status: criteria provided, single submitter. Criteria: ACMG Guidelines, 2015. Collection method: clinical testing. Allele origin: germline.
Comment: LYST NM_000081.3 exon 8 p.Asn1228Ser (c.3683A>G): This variant has not been reported in the literature but is present in 0.5% (127/24970) of African alleles in the Genome Aggregation Database, including one homozygote. This variant is present in ClinVar (Variation ID:636426). Evolutionary conservation and computational predictive tools for this variant are unclear. In summary, data on this variant is insufficient for disease classification. Therefore, the clinical significance of this variant is uncertain.

GeneDx
Classification: Likely benign. Last evaluated: 2020-01-23. Review status: criteria provided, single submitter. Criteria: GeneDx Variant Classification Process June 2021. Collection method: clinical testing. Allele origin: germline. Affected: yes.

Genome Diagnostics Laboratory, The Hospital for Sick Children
Classification: Uncertain significance for Autoinflammatory syndrome. Last evaluated: 2019-12-01. Review status: criteria provided, single submitter. Criteria: ACMG Guidelines, 2015. Collection method: clinical testing. Allele origin: germline. Affected: yes.

PreventionGenetics, part of Exact Sciences
Classification: Likely benign for LYST-related condition. Last evaluated: 2019-10-02. Review status: no assertion criteria provided. Collection method: clinical testing. Allele origin: germline. Not counted in ClinVar's aggregate classification.
Comment: This variant is classified as likely benign based on ACMG/AMP sequence variant interpretation guidelines (Richards et al. 2015 PMID: 25741868, with internal and published modifications).

Literature cited by the submitters: PubMed 26684649 (cited by Women's Health and Genetics/Laboratory Corporation of America, LabCorp).